The following is an entry in ClinVar:

NM_001035.3(RYR2):c.11830G>T (p.Val3944Leu)

Gene: RYR2 (ryanodine receptor 2; plus strand). Cytogenetic location: 1q43.
Variant type: single nucleotide variant.
Coding change: c.11830G>T on transcript NM_001035.3 (MANE Select); coding-DNA position 11830, G replaced by T.
Protein change: p.Val3944Leu; replaces valine 3944 with leucine.
Molecular consequence: missense variant.
Genome position (GRCh38, 1-based): chr1:237,778,720, G>T. VCF-style: chr1-237778720-G-T. GRCh37 (hg19) VCF-style: chr1-237942020-G-T.
Other names: short protein forms V3944L.
Identifiers: ClinVar variation 3774110 (VCV003774110.1).

ClinVar aggregate classification (germline): Uncertain significance (1 of 4 stars; one submission).

Submission:

GeneDx
Classification: Uncertain significance. Last evaluated: 2024-09-20. Review status: criteria provided, single submitter. Criteria: GeneDx Variant Classification Process June 2021. Collection method: clinical testing. Allele origin: germline. Affected: yes.
Comment: Not observed at significant frequency in large population cohorts (gnomAD); In silico analysis supports that this missense variant has a deleterious effect on protein structure/function; Has not been previously published as pathogenic or benign to our knowledge; This variant is associated with the following publications: (PMID: 19926015)